The following is an entry in ClinVar:

ClinVar aggregate classification (germline): Uncertain significance (1 of 4 stars; one submission).

Conditions:
McKusick-Kaufman syndrome (MKKS). Also called: HYDROMETROCOLPOS SYNDROME; HYDROMETROCOLPOS, POSTAXIAL POLYDACTYLY, AND CONGENITAL HEART MALFORMATION. Identifiers: Orphanet 2473, MedGen C0948368, MONDO:0009367, OMIM 236700.
Bardet-Biedl syndrome (BBS). Identifiers: Orphanet 110, MedGen C0752166, MONDO:0015229.

Submission:

Labcorp Genetics (formerly Invitae), Labcorp
Classification: Uncertain significance for McKusick-Kaufman syndrome; Bardet-Biedl syndrome. Last evaluated: 2022-01-19. Review status: criteria provided, single submitter. Criteria: Invitae Variant Classification Sherloc (09022015). Collection method: clinical testing. Allele origin: germline.
Comment: In summary, the available evidence is currently insufficient to determine the role of this variant in disease. Therefore, it has been classified as a Variant of Uncertain Significance. Algorithms developed to predict the effect of missense changes on protein structure and function are either unavailable or do not agree on the potential impact of this missense change (SIFT: "Deleterious"; PolyPhen-2: "Benign"; Align-GVGD: "Class C25"). This variant has not been reported in the literature in individuals affected with MKKS-related conditions. This variant is not present in population databases (gnomAD no frequency). This sequence change replaces arginine, which is basic and polar, with threonine, which is neutral and polar, at codon 281 of the MKKS protein (p.Arg281Thr).

NM_170784.3(MKKS):c.842G>C (p.Arg281Thr)

Gene: MKKS (MKKS centrosomal shuttling protein; minus strand). Cytogenetic location: 20p12.2.
Variant type: single nucleotide variant.
Coding change: c.842G>C on transcript NM_170784.3 (MANE Select); coding-DNA position 842, G replaced by C.
Protein change: p.Arg281Thr; replaces arginine 281 with threonine.
Molecular consequence: missense variant.
Genome position (GRCh38, 1-based): chr20:10,412,673, C>G on the plus strand (G>C on the coding strand, the complement: MKKS is on the minus strand). VCF-style: chr20-10412673-C-G. GRCh37 (hg19) VCF-style: chr20-10393321-C-G.
Other names: c.842G>C, p.Arg281Thr (NM_018848.3); short protein forms R281T.
Identifiers: ClinVar variation 2088241 (VCV002088241.4), dbSNP rs1479132972, ClinGen allele CA408232240.